The following is an entry in ClinVar:

NM_000843.4(GRM6):c.1466dup (p.Val490fs)

Genes: GRM6 (glutamate metabotropic receptor 6; minus strand), ZNF454 (zinc finger protein 454; plus strand). Cytogenetic location: 5q35.3.
Variant type: Duplication.
Coding change: c.1466dup on transcript NM_000843.4 (MANE Select); coding-DNA position 1466, one base duplicated (C; older notation c.1466dupC).
Protein change: p.Val490fs; shifts the reading frame from valine 490.
Molecular consequence: frameshift variant.
Genome position (GRCh38, 1-based): chr5:178,986,872, G duplicated on the plus strand (C on the coding strand, the reverse complement: GRM6 is on the minus strand). VCF-style (leftmost placement, unchanged base first): chr5-178986871-T-TG. GRCh37 (hg19) VCF-style: chr5-178413872-T-TG.
Other names: short protein forms V490fs.
Identifiers: ClinVar variation 1924679 (VCV001924679.5), dbSNP rs1760572523, ClinGen allele CA1084973518.

ClinVar aggregate classification (germline): Pathogenic (1 of 4 stars; one submission).

Allele frequency attached by ClinVar (database versions not stated): gnomAD exomes below 0.00001; gnomAD 0.00001; TOPMed 0.00001.

Submission:

Labcorp Genetics (formerly Invitae), Labcorp
Classification: Pathogenic. Last evaluated: 2022-05-27. Review status: criteria provided, single submitter. Criteria: Invitae Variant Classification Sherloc (09022015). Collection method: clinical testing. Allele origin: germline.
Comment: For these reasons, this variant has been classified as Pathogenic. This variant has not been reported in the literature in individuals affected with GRM6-related conditions. This variant is not present in population databases (gnomAD no frequency). This sequence change creates a premature translational stop signal (p.Val490Serfs*55) in the GRM6 gene. It is expected to result in an absent or disrupted protein product. Loss-of-function variants in GRM6 are known to be pathogenic (PMID: 15781871, 16622103, 22008250).

Literature cited by the submitters: PubMed 15781871; PubMed 16622103; PubMed 22008250.